The following is an entry in ClinVar:

NM_015330.6(SPECC1L):c.2837G>A (p.Arg946Gln)

Genes: SPECC1L (sperm antigen with calponin homology and coiled-coil domains 1 like; plus strand), SPECC1L-ADORA2A (SPECC1L-ADORA2A readthrough (NMD candidate); plus strand). Cytogenetic location: 22q11.23.
Variant type: single nucleotide variant.
Coding change: c.2837G>A on transcript NM_015330.6 (MANE Select); coding-DNA position 2837, G replaced by A.
Protein change: p.Arg946Gln; replaces arginine 946 with glutamine.
Molecular consequence: missense variant. On other transcripts: non-coding transcript variant (1).
Genome position (GRCh38, 1-based): chr22:24,365,485, G>A. VCF-style: chr22-24365485-G-A. GRCh37 (hg19) VCF-style: chr22-24761453-G-A.
Other names: c.2837G>A, p.Arg946Gln (NM_001145468.4, NM_001254732.3); c.35G>A, p.Arg12Gln (NM_001254733.2); short protein forms R12Q, R946Q.
Identifiers: ClinVar variation 5006466 (VCV005006466.2).

ClinVar aggregate classification (germline): Uncertain significance (1 of 4 stars; one submission).

Conditions:
Teebi hypertelorism syndrome 1. Identifiers: Orphanet 1519, MedGen CN306405, MONDO:0800025, OMIM 145420.
Oculomaxillofacial dysostosis (OBLFC1). Also called: OCULOMAXILLOFACIAL DYSPLASIA WITH OBLIQUE FACIAL CLEFTS. Identifiers: Orphanet 141258, Orphanet 1794, MedGen C1838348, MONDO:0015824, OMIM 600251.

gnomAD v4.1: 7 of 1,613,878 alleles (0.00043%); highest among the groups gnomAD compares: East Asian, 0.0067%; no homozygotes.

Submission:

Juno Genomics, Hangzhou Juno Genomics, Inc
Classification: Uncertain significance for Oculomaxillofacial dysostosis; Teebi hypertelorism syndrome 1. Review status: criteria provided, single submitter. Criteria: ACMG Guidelines, 2015. Collection method: clinical testing. Allele origin: germline.
Comment: Absent from controls (or at extremely low frequency if recessive) in Genome Aggregation Database.;Missense variant in a gene that has a low rate of benign missense variation.;Multiple lines of computational evidence support a deleterious effect on the gene or gene product.